The following is an entry in ClinVar:

ClinVar aggregate classification (germline): Uncertain significance (1 of 4 stars; one submission).

Conditions:
Cardiovascular phenotype. Identifiers: MedGen CN230736.

gnomAD v4.1: 1 of 1,550,212 alleles (0.000065%); highest among the groups gnomAD compares: African/African-American, 0.0014%; no homozygotes.

Submission:

Ambry Genetics
Classification: Uncertain significance for Cardiovascular phenotype. Last evaluated: 2026-03-15. Review status: criteria provided, single submitter. Criteria: Ambry Variant Classification Scheme 2023. Collection method: clinical testing. Allele origin: germline.
Comment: The p.L1892P variant (also known as c.5675T>C), located in coding exon 2 of the ZNF469 gene, results from a T to C substitution at nucleotide position 5675. The leucine at codon 1892 is replaced by proline, an amino acid with similar properties. This amino acid position is conserved. In addition, this alteration is predicted to be tolerated by in silico analysis. Based on the available evidence, the clinical significance of this variant remains unclear.

NM_001367624.2(ZNF469):c.5759T>C (p.Leu1920Pro)

Gene: ZNF469 (zinc finger protein 469; plus strand). Cytogenetic location: 16q24.2.
Variant type: single nucleotide variant.
Coding change: c.5759T>C on transcript NM_001367624.2 (MANE Select); coding-DNA position 5759, T replaced by C.
Protein change: p.Leu1920Pro; replaces leucine 1920 with proline.
Molecular consequence: missense variant.
Genome position (GRCh38, 1-based): chr16:88,433,229, T>C. VCF-style: chr16-88433229-T-C. GRCh37 (hg19) VCF-style: chr16-88499637-T-C.
Other names: NM_001127464.1:c.5675T>C; short protein forms L1920P.
Identifiers: ClinVar variation 4866962 (VCV004866962.1).